The following is an entry in ClinVar:

NM_000394.4(CRYAA):c.398T>C (p.Leu133Pro)

Gene: CRYAA (crystallin alpha A; plus strand). Cytogenetic location: 21q22.3.
Variant type: single nucleotide variant.
Coding change: c.398T>C on transcript NM_000394.4 (MANE Select); coding-DNA position 398, T replaced by C.
Protein change: p.Leu133Pro; replaces leucine 133 with proline.
Molecular consequence: missense variant.
Genome position (GRCh38, 1-based): chr21:43,172,156, T>C. VCF-style: chr21-43172156-T-C. GRCh37 (hg19) VCF-style: chr21-44592266-T-C.
Other names: c.287T>C, p.Leu96Pro (NM_001363766.1); short protein forms L96P, L133P.
Identifiers: ClinVar variation 4702989 (VCV004702989.1).

ClinVar aggregate classification (germline): Uncertain significance (1 of 4 stars; one submission).

Conditions:
Cataract 9 multiple types. Also called: Cataract 9, multiple types, with or without microcornea; Cataract, autosomal recessive congenital 1. Identifiers: Orphanet 1377, MedGen C1858679, MONDO:0011413, OMIM 604219.

Submission:

Labcorp Genetics (formerly Invitae), Labcorp
Classification: Uncertain significance for Cataract 9 multiple types. Last evaluated: 2025-10-20. Review status: criteria provided, single submitter. Criteria: Invitae Variant Classification Sherloc (09022015). Collection method: clinical testing. Allele origin: germline.
Comment: This sequence change replaces leucine, which is neutral and non-polar, with proline, which is neutral and non-polar, at codon 133 of the CRYAA protein (p.Leu133Pro). This variant is not present in population databases (gnomAD no frequency). This variant has not been reported in the literature in individuals affected with CRYAA-related conditions. An algorithm developed to predict the effect of missense changes on protein structure and function (PolyPhen-2) suggests that this variant is likely to be disruptive. In summary, the available evidence is currently insufficient to determine the role of this variant in disease. Therefore, it has been classified as a Variant of Uncertain Significance.